The following is an entry in ClinVar:

ClinVar aggregate classification (germline): Likely benign (1 of 4 stars; one submission).

Allele frequency attached by ClinVar (database versions not stated): ESP Exome Variant Server 0.00046; TOPMed 0.00081; gnomAD 0.00095; gnomAD exomes 0.00128; ExAC 0.00134; 1000 Genomes Project 30x 0.00281; 1000 Genomes Project 0.00319.
gnomAD v4.1: 2,001 of 1,614,210 alleles (0.12%); highest among the groups gnomAD compares: East Asian, 3%; 31 homozygotes.

Submission:

CeGaT Center for Human Genetics Tuebingen
Classification: Likely benign. Last evaluated: 2023-03-01. Review status: criteria provided, single submitter. Criteria: CeGaT Center For Human Genetics Tuebingen Variant Classification Criteria Version 2. Collection method: clinical testing. Allele origin: germline. Affected: yes. Observed: 2 variant alleles.
Comment: SERPIND1: BP4, BP7, BS1

NM_000185.4(SERPIND1):c.18C>T (p.Asn6=)

Genes: PI4KA (phosphatidylinositol 4-kinase alpha; minus strand), SERPIND1 (serpin family D member 1; plus strand). Cytogenetic location: 22q11.21.
Variant type: single nucleotide variant.
Coding change: c.18C>T on transcript NM_000185.4 (MANE Select); coding-DNA position 18, C replaced by T.
Protein change: p.Asn6=; no amino-acid change (asparagine 6 retained).
Molecular consequence: synonymous variant. On other transcripts: intron variant (3).
Genome position (GRCh38, 1-based): chr22:20,779,330, C>T. VCF-style: chr22-20779330-C-T. GRCh37 (hg19) VCF-style: chr22-21133618-C-T.
Other names: c.2263-13637G>A (NM_001362863.2); c.2329-13637G>A (NM_001362862.2, NM_058004.4).
Identifiers: ClinVar variation 2652915 (VCV002652915.24), dbSNP rs17819104, ClinGen allele CA10115782.